The following is an entry in ClinVar:

ClinVar aggregate classification (germline): Benign. Review status: criteria provided, multiple submitters, no conflicts (2 of 4 stars). 3 submissions from 3 submitters: Benign (3). Last evaluated 2026-02-03.

Conditions:
Hereditary spastic paraplegia 48. Also called: SPASTIC PARAPLEGIA 48, AUTOSOMAL RECESSIVE; Spastic paraplegia 48. Identifiers: Orphanet 306511, MedGen C3150901, MONDO:0013342, OMIM 613647.

Allele frequency attached by ClinVar (database versions not stated): gnomAD exomes 0.01922; ExAC 0.02373; gnomAD 0.06374; ESP Exome Variant Server 0.07057; TOPMed 0.07572; 1000 Genomes Project 0.07708; 1000 Genomes Project 30x 0.08151.
gnomAD v4.1: 27,249 of 1,613,354 alleles (1.7%); highest among the groups gnomAD compares: African/African-American, 22%; 1,957 homozygotes.

Submissions (3):

Labcorp Genetics (formerly Invitae), Labcorp
Classification: Benign for Hereditary spastic paraplegia 48. Last evaluated: 2026-02-03. Review status: criteria provided, single submitter. Criteria: Invitae Variant Classification Sherloc (09022015). Collection method: clinical testing. Allele origin: germline.

GeneDx
Classification: Benign. Last evaluated: 2019-03-10. Review status: criteria provided, single submitter. Criteria: GeneDx Variant Classification Process June 2021. Collection method: clinical testing. Allele origin: germline. Affected: yes.

Illumina Laboratory Services, Illumina
Classification: Benign for Hereditary spastic paraplegia 48. Last evaluated: 2018-01-13. Review status: criteria provided, single submitter. Criteria: ICSL Variant Classification Criteria 13 December 2019. Collection method: clinical testing. Allele origin: germline.
Comment: This variant was observed in the ICSL laboratory as part of a predisposition screen in an ostensibly healthy population. It had not been previously curated by ICSL or reported in the Human Gene Mutation Database (HGMD: prior to June 1st, 2018), and was therefore a candidate for classification through an automated scoring system. Utilizing variant allele frequency, disease prevalence and penetrance estimates, and inheritance mode, an automated score was calculated to assess if this variant is too frequent to cause the disease. Based on the score and internal cut-off values, a variant classified as benign is not then subjected to further curation. The score for this variant resulted in a classification of benign for this disease.

NM_014855.3(AP5Z1):c.970-13C>T

Gene: AP5Z1 (adaptor related protein complex 5 subunit zeta 1; plus strand). Cytogenetic location: 7p22.1.
Variant type: single nucleotide variant.
Coding change: c.970-13C>T on transcript NM_014855.3 (MANE Select); 13 bases into the intron before coding-DNA position 970, C replaced by T.
Molecular consequence: intron variant.
Genome position (GRCh38, 1-based): chr7:4,785,509, C>T. VCF-style: chr7-4785509-C-T. GRCh37 (hg19) VCF-style: chr7-4825140-C-T.
Other names: c.970-13C>T (LRG_1247t1); c.502-13C>T (NM_001364858.1).
Identifiers: ClinVar variation 360322 (VCV000360322.14), dbSNP rs73305376, ClinGen allele CA4137539.
Genomic context (GRCh38, chr7:4,785,509, plus strand): 5'-AGCTGTAAGTGGCTGGGGACCAGGGGATGGGAGGCAGCGACTCGGCCCATTTGATGTGGT[C>T]CATGTCCCGCAGTGCCTGGTGGAGGCCGTGCTGGTGCTGGACGTGCTGTGCCGGCAGGAC-3'